The following is an entry in ClinVar:

ClinVar aggregate classification (germline): Uncertain significance (1 of 4 stars; one submission).

Conditions:
Autosomal dominant nocturnal frontal lobe epilepsy 5. Also called: Epilepsy, nocturnal frontal lobe, 5; CILIARY DYSKINESIA, PRIMARY, 28, WITHOUT SITUS INVERSUS; CILIARY DYSKINESIA, PRIMARY, 28, WITH SITUS INVERSUS; KCNT1-Related Epilepsy. Identifiers: Orphanet 98784, MedGen C3554306, MONDO:0014002, OMIM 615005.
Developmental and epileptic encephalopathy, 14 (DEE14). Also called: Early infantile epileptic encephalopathy 14. Identifiers: Orphanet 293181, MedGen C3554195, MONDO:0013989, OMIM 614959.

Allele frequency attached by ClinVar (database versions not stated): ExAC 0.00002.

Submission:

Labcorp Genetics (formerly Invitae), Labcorp
Classification: Uncertain significance for Autosomal dominant nocturnal frontal lobe epilepsy 5; Developmental and epileptic encephalopathy, 14. Last evaluated: 2020-11-14. Review status: criteria provided, single submitter. Criteria: Invitae Variant Classification Sherloc (09022015). Collection method: clinical testing. Allele origin: germline.
Comment: This variant has not been reported in the literature in individuals with KCNT1-related conditions. Advanced modeling of protein sequence and biophysical properties (such as structural, functional, and spatial information, amino acid conservation, physicochemical variation, residue mobility, and thermodynamic stability) performed at Invitae indicates that this missense variant is expected to disrupt KCNT1 protein function. In summary, the available evidence is currently insufficient to determine the role of this variant in disease. Therefore, it has been classified as a Variant of Uncertain Significance. This variant is present in population databases (rs774987263, ExAC 0.004%). This sequence change replaces leucine with glutamine at codon 1140 of the KCNT1 protein (p.Leu1140Gln). The leucine residue is highly conserved and there is a moderate physicochemical difference between leucine and glutamine.

NM_020822.3(KCNT1):c.3419T>A (p.Leu1140Gln)

Gene: KCNT1 (potassium sodium-activated channel subfamily T member 1; plus strand). Cytogenetic location: 9q34.3.
Variant type: single nucleotide variant.
Coding change: c.3419T>A on transcript NM_020822.3 (MANE Select); coding-DNA position 3419, T replaced by A.
Protein change: p.Leu1140Gln; replaces leucine 1140 with glutamine.
Molecular consequence: missense variant.
Genome position (GRCh38, 1-based): chr9:135,786,438, T>A. VCF-style: chr9-135786438-T-A. GRCh37 (hg19) VCF-style: chr9-138678284-T-A.
Other names: c.3284T>A, p.Leu1095Gln (NM_001272003.2); short protein forms L1095Q, L1140Q.
Identifiers: ClinVar variation 1347043 (VCV001347043.8), dbSNP rs774987263, ClinGen allele CA5327810.
Genomic context (GRCh38, chr9:135,786,438, plus strand): 5'-CGCCCAAGCAGGCAGGCCGGGCGGCGGCCGCGGAGTGGATCAGCCAGCAGCGCCTCAGCC[T>A]GTACCGGCGCTCTGAGCGCCAGGAGCTCTCCGAGCTGGTGAAGAACCGCATGAAGCACCT-3'
Protein context (NP_065873.2, residues 1130-1150): AEWISQQRLS[Leu1140Gln]YRRSERQELS